The following is an entry in ClinVar:

NM_006015.6(ARID1A):c.787T>A (p.Ser263Thr)

Genes: ARID1A (AT-rich interaction domain 1A; plus strand), LOC129929837 (ATAC-STARR-seq lymphoblastoid silent region 489; plus strand). Cytogenetic location: 1p36.11.
Variant type: single nucleotide variant.
Coding change: c.787T>A on transcript NM_006015.6 (MANE Select); coding-DNA position 787, T replaced by A.
Protein change: p.Ser263Thr; replaces serine 263 with threonine.
Molecular consequence: missense variant.
Genome position (GRCh38, 1-based): chr1:26,697,190, T>A. VCF-style: chr1-26697190-T-A. GRCh37 (hg19) VCF-style: chr1-27023681-T-A.
Other names: c.787T>A, p.Ser263Thr (NM_139135.4); short protein forms S263T.
Identifiers: ClinVar variation 4780758 (VCV004780758.1).

ClinVar aggregate classification (germline): Uncertain significance (1 of 4 stars; one submission).

gnomAD v4.1: 2 of 1,424,426 alleles (0.00014%); highest among the groups gnomAD compares: South Asian, 0.0015%; no homozygotes.

Submission:

Labcorp Genetics (formerly Invitae), Labcorp
Classification: Uncertain significance. Last evaluated: 2025-04-02. Review status: criteria provided, single submitter. Criteria: Invitae Variant Classification Sherloc (09022015). Collection method: clinical testing. Allele origin: germline.
Comment: This sequence change replaces serine, which is neutral and polar, with threonine, which is neutral and polar, at codon 263 of the ARID1A protein (p.Ser263Thr). This variant is not present in population databases (gnomAD no frequency). This variant has not been reported in the literature in individuals affected with ARID1A-related conditions. Invitae Evidence Modeling of protein sequence and biophysical properties (such as structural, functional, and spatial information, amino acid conservation, physicochemical variation, residue mobility, and thermodynamic stability) indicates that this missense variant is not expected to disrupt ARID1A protein function with a negative predictive value of 95%. In summary, the available evidence is currently insufficient to determine the role of this variant in disease. Therefore, it has been classified as a Variant of Uncertain Significance.